The following is an entry in ClinVar:

NM_001033046.4(CYBC1):c.490C>T (p.His164Tyr)

Gene: CYBC1 (cytochrome b-245 chaperone 1; minus strand). Cytogenetic location: 17q25.3.
Variant type: single nucleotide variant.
Coding change: c.490C>T on transcript NM_001033046.4 (MANE Select); coding-DNA position 490, C replaced by T.
Protein change: p.His164Tyr; replaces histidine 164 with tyrosine.
Molecular consequence: missense variant. On other transcripts: non-coding transcript variant (4).
Genome position (GRCh38, 1-based): chr17:82,444,078, G>A on the plus strand (C>T on the coding strand, the complement: CYBC1 is on the minus strand). VCF-style: chr17-82444078-G-A. GRCh37 (hg19) VCF-style: chr17-80401954-G-A.
Other names: c.490C>T, p.His164Tyr (NM_001100407.3, NM_001193653.2, NM_001193654.2 and 2 more transcripts); c.448C>T, p.His150Tyr (NM_001100408.3); short protein forms H150Y, H164Y.
Identifiers: ClinVar variation 1937881 (VCV001937881.3), dbSNP rs2510044877, ClinGen allele CA401608093.

ClinVar aggregate classification (germline): Uncertain significance (1 of 4 stars; one submission).

Allele frequency attached by ClinVar (database versions not stated): gnomAD exomes below 0.00001.

Submission:

Labcorp Genetics (formerly Invitae), Labcorp
Classification: Uncertain significance. Last evaluated: 2022-04-28. Review status: criteria provided, single submitter. Criteria: Invitae Variant Classification Sherloc (09022015). Collection method: clinical testing. Allele origin: germline.
Comment: This variant has not been reported in the literature in individuals affected with C17orf62-related conditions. Algorithms developed to predict the effect of missense changes on protein structure and function are either unavailable or do not agree on the potential impact of this missense change (SIFT: "Deleterious"; PolyPhen-2: "Benign"; Align-GVGD: "Class C15"). In summary, the available evidence is currently insufficient to determine the role of this variant in disease. Therefore, it has been classified as a Variant of Uncertain Significance. This variant is not present in population databases (gnomAD no frequency). This sequence change replaces histidine, which is basic and polar, with tyrosine, which is neutral and polar, at codon 164 of the C17orf62 protein (p.His164Tyr).